The following is an entry in ClinVar:

NM_000548.5(TSC2):c.2859C>T (p.Pro953=)

Gene: TSC2 (TSC complex subunit 2; plus strand). Cytogenetic location: 16p13.3.
Variant type: single nucleotide variant.
Coding change: c.2859C>T on transcript NM_000548.5 (MANE Select); coding-DNA position 2859, C replaced by T.
Protein change: p.Pro953=; no amino-acid change (proline 953 retained).
Molecular consequence: synonymous variant. On other transcripts: intron variant (9).
Genome position (GRCh38, 1-based): chr16:2,077,619, C>T. VCF-style: chr16-2077619-C-T. GRCh37 (hg19) VCF-style: chr16-2127620-C-T.
Other names: c.2859C>T, p.Pro953= (NM_001114382.3); c.2837+1034C>T (NM_021055.3, NM_001370405.1, NM_001363528.2 and 2 more transcripts); c.2726+1034C>T (NM_001318827.2); c.2237+1034C>T (NM_001318831.2); c.2690+1034C>T (NM_001318829.2); c.2870+1034C>T (NM_001318832.2).
Identifiers: ClinVar variation 64958 (VCV000064958.61), dbSNP rs397514968, ClinGen allele CA018284.

ClinVar aggregate classification (germline): Conflicting classifications of pathogenicity. Review status: criteria provided, conflicting classifications (1 of 4 stars). 9 submissions from 9 submitters: Uncertain significance (1); Benign (2); Likely benign (5). 1 of the submissions does not count toward it. Last evaluated 2025-12-24.

Conditions:
Hereditary cancer-predisposing syndrome. Also called: Hereditary Cancer Syndrome; Tumor predisposition; Neoplastic Syndromes, Hereditary; Hereditary neoplastic syndrome. Identifiers: Orphanet 140162, MedGen C0027672, MeSH D009386, MONDO:0015356.
Tuberous sclerosis syndrome (TSC). Also called: Tuberous Sclerosis Complex; Tuberous sclerosis. Identifiers: Orphanet 805, MedGen C0041341, MONDO:0001734.
Tuberous sclerosis 2 (TSC2). Identifiers: Orphanet 805, MedGen C1860707, MONDO:0013199, OMIM 613254.

Allele frequency attached by ClinVar (database versions not stated): TOPMed 0.00002; gnomAD 0.00004.
gnomAD v4.1: 8 of 1,613,068 alleles (0.0005%); highest among the groups gnomAD compares: African/African-American, 0.004%; no homozygotes.

Submissions (9):

Labcorp Genetics (formerly Invitae), Labcorp
Classification: Likely benign for Tuberous sclerosis 2. Last evaluated: 2025-12-24. Review status: criteria provided, single submitter. Criteria: Invitae Variant Classification Sherloc (09022015). Collection method: clinical testing. Allele origin: germline.

Myriad Genetics, Inc.
Classification: Benign for Tuberous sclerosis 2. Last evaluated: 2025-05-27. Review status: criteria provided, single submitter. Criteria: Myriad Autosomal Dominant, Autosomal Recessive and X-Linked Classification Criteria (2023). Collection method: clinical testing. Allele origin: unknown.
Comment: This variant is considered benign. This variant is a silent/synonymous amino acid change and it is not expected to impact splicing.

All of Us Research Program, National Institutes of Health
Classification: Likely benign for Tuberous sclerosis syndrome. Last evaluated: 2023-09-09. Review status: criteria provided, single submitter. Criteria: ACMG Guidelines, 2015. Collection method: clinical testing. Allele origin: germline. Inheritance: Autosomal dominant inheritance. Observed: 2 variant alleles, 2 heterozygotes.
Comment: This study involves interpretation of variants in research participants for the purpose of population health screening. Participant phenotype was not available at the time of variant classification. Additional details can be found in publication PMID: 35346344, PMCID: PMC8962531

Color Diagnostics, LLC DBA Color Health
Classification: Likely benign for Tuberous sclerosis syndrome. Last evaluated: 2022-09-28. Review status: criteria provided, single submitter. Criteria: ACMG Guidelines, 2015. Collection method: clinical testing. Allele origin: germline.

GeneDx
Classification: Uncertain significance. Last evaluated: 2022-09-15. Review status: criteria provided, single submitter. Criteria: GeneDx Variant Classification Process June 2021. Collection method: clinical testing. Allele origin: germline. Affected: yes.
Comment: Not observed at significant frequency in large population cohorts (gnomAD); In silico analysis supports that this variant does not alter splicing; Has not been previously published as pathogenic or benign to our knowledge

Genome-Nilou Lab
Classification: Benign for Tuberous sclerosis 2. Last evaluated: 2021-11-07. Review status: criteria provided, single submitter. Criteria: ACMG Guidelines, 2015. Collection method: clinical testing. Allele origin: germline. Affected: no.

CeGaT Center for Human Genetics Tuebingen
Classification: Likely benign. Last evaluated: 2018-07-01. Review status: criteria provided, single submitter. Criteria: CeGaT Center For Human Genetics Tuebingen Variant Classification Criteria Version 2. Collection method: clinical testing. Allele origin: germline. Affected: yes. Observed: 1 variant allele.

Ambry Genetics
Classification: Likely benign for Hereditary cancer-predisposing syndrome. Last evaluated: 2017-11-13. Review status: criteria provided, single submitter. Criteria: Ambry Variant Classification Scheme 2023. Collection method: clinical testing. Allele origin: germline.

Tuberous sclerosis database (TSC2)
No classification provided. Condition: TSC. Review status: no classification provided. Criteria: Tuberous Sclerosis Database Assertion Criteria 2015. Collection method: curation. Allele origin: germline. Affected: yes. Not counted in ClinVar's aggregate classification.